The following is an entry in ClinVar:

NM_138694.4(PKHD1):c.2722G>T (p.Val908Leu)

Gene: PKHD1 (PKHD1 ciliary IPT domain containing fibrocystin/polyductin; minus strand). Cytogenetic location: 6p12.2.
Variant type: single nucleotide variant.
Coding change: c.2722G>T on transcript NM_138694.4 (MANE Select); coding-DNA position 2722, G replaced by T.
Protein change: p.Val908Leu; replaces valine 908 with leucine.
Molecular consequence: missense variant.
Genome position (GRCh38, 1-based): chr6:52,043,724, C>A on the plus strand (G>T on the coding strand, the complement: PKHD1 is on the minus strand). VCF-style: chr6-52043724-C-A. GRCh37 (hg19) VCF-style: chr6-51908522-C-A.
Other names: c.2722G>T (NM_138694.3); c.2722G>T, p.Val908Leu (NM_170724.3); short protein forms V908L.
Identifiers: ClinVar variation 1418965 (VCV001418965.8), dbSNP rs2128184282, ClinGen allele CA364442716.
Genomic context (GRCh38, chr6:52,043,724, plus strand): 5'-CTTGGAGGTACTGGAAAGAGCAGGAACCTGGGCAATGAGCTGGTACATCATTCACTCGCA[C>A]AACCACCTGAAATGAGGCAAAATTTCTTTTCCATTTTATGCATTTCATATCTACCAGGGT-3'
Protein context (NP_619639.3, residues 898-918): ATANQHTQVV[Val908Leu]RVNDVPAHCP

ClinVar aggregate classification (germline): Uncertain significance. Review status: criteria provided, multiple submitters, no conflicts (2 of 4 stars). 5 submissions from 5 submitters: Uncertain significance (5). Last evaluated 2026-04-21.

Conditions:
Polycystic kidney disease 4 (PKD4). Also called: POLYCYSTIC KIDNEY AND HEPATIC DISEASE 1; POLYCYSTIC KIDNEY DISEASE, INFANTILE, TYPE I; POLYCYSTIC KIDNEY DISEASE 4 WITH OR WITHOUT POLYCYSTIC LIVER DISEASE; Autosomal Recessive Polycystic Kidney Disease – PKHD1; PKD3. Identifiers: MedGen C4540575, MONDO:0033004, OMIM 263200.
Inborn genetic diseases. Identifiers: MedGen C0950123, MeSH D030342.
PKHD1-related disorder. Also called: PKHD1-related condition.
Autosomal recessive polycystic kidney disease (ARPKD). Also called: AR polycystic kidney disease. Identifiers: Orphanet 731, Orphanet 8378, MedGen C0085548, MeSH D017044, MONDO:0009889.

Submissions (5):

PreventionGenetics, part of Exact Sciences
Classification: Uncertain significance for PKHD1-related condition. Last evaluated: 2026-04-21. Review status: criteria provided, single submitter. Criteria: ACMG Guidelines, 2015. Collection method: clinical testing. Allele origin: germline.
Comment: The PKHD1 c.2722G>T variant is predicted to result in the amino acid substitution p.Val908Leu. To our knowledge, this variant has not been reported in the literature or in a large population database (gnomAD), indicating this variant is rare. At this time, the clinical significance of this variant is uncertain due to the absence of conclusive functional and genetic evidence.

Ambry Genetics
Classification: Uncertain significance for Inborn genetic diseases. Last evaluated: 2025-05-26. Review status: criteria provided, single submitter. Criteria: Ambry Variant Classification Scheme 2023. Collection method: clinical testing. Allele origin: germline.

Fulgent Genetics
Classification: Uncertain significance for Polycystic kidney disease 4. Last evaluated: 2024-04-26. Review status: criteria provided, single submitter. Criteria: ACMG Guidelines, 2015. Collection method: clinical testing. Allele origin: germline.

GeneDx
Classification: Uncertain significance. Last evaluated: 2023-10-17. Review status: criteria provided, single submitter. Criteria: GeneDx Variant Classification Process June 2021. Collection method: clinical testing. Allele origin: germline. Affected: yes.
Comment: Not observed at significant frequency in large population cohorts (gnomAD); In silico analysis supports that this missense variant has a deleterious effect on protein structure/function; Has not been previously published as pathogenic or benign to our knowledge

Labcorp Genetics (formerly Invitae), Labcorp
Classification: Uncertain significance for Autosomal recessive polycystic kidney disease. Last evaluated: 2022-04-02. Review status: criteria provided, single submitter. Criteria: Invitae Variant Classification Sherloc (09022015). Collection method: clinical testing. Allele origin: germline.
Comment: This sequence change replaces valine, which is neutral and non-polar, with leucine, which is neutral and non-polar, at codon 908 of the PKHD1 protein (p.Val908Leu). This variant is not present in population databases (gnomAD no frequency). This variant has not been reported in the literature in individuals affected with PKHD1-related conditions. Algorithms developed to predict the effect of missense changes on protein structure and function are either unavailable or do not agree on the potential impact of this missense change (SIFT: "Deleterious"; PolyPhen-2: "Possibly Damaging"; Align-GVGD: "Class C0"). In summary, the available evidence is currently insufficient to determine the role of this variant in disease. Therefore, it has been classified as a Variant of Uncertain Significance.